The following is an entry in ClinVar:

NM_000093.5(COL5A1):c.5171G>C (p.Gly1724Ala)

Genes: COL5A1 (collagen type V alpha 1 chain; plus strand), LOC101448202 (uncharacterized LOC101448202; minus strand). Cytogenetic location: 9q34.3.
Variant type: single nucleotide variant.
Coding change: c.5171G>C on transcript NM_000093.5 (MANE Select); coding-DNA position 5171, G replaced by C.
Protein change: p.Gly1724Ala; replaces glycine 1724 with alanine.
Molecular consequence: missense variant.
Genome position (GRCh38, 1-based): chr9:134,835,005, G>C. VCF-style: chr9-134835005-G-C. GRCh37 (hg19) VCF-style: chr9-137726851-G-C.
Other names: c.5171G>C, p.Gly1724Ala (NM_001278074.1); short protein forms G1724A.
Identifiers: ClinVar variation 3230319 (VCV003230319.2), dbSNP rs2490929853, ClinGen allele CA375460336.

ClinVar aggregate classification (germline): Uncertain significance. Review status: criteria provided, multiple submitters, no conflicts (2 of 4 stars). 2 submissions from 2 submitters: Uncertain significance (2). Last evaluated 2024-11-07.

Conditions:
Familial thoracic aortic aneurysm and aortic dissection (TAAD). Also called: Thoracic aortic aneurysms and dissections. Identifiers: Orphanet 91387, MedGen C4707243, MONDO:0019625.

gnomAD v4.1: 2 of 1,613,774 alleles (0.00012%); highest among the groups gnomAD compares: Middle Eastern, 0.016%; no homozygotes.

Submissions (2):

Blueprint Genetics
Classification: Uncertain significance. Last evaluated: 2024-11-07. Review status: criteria provided, single submitter. Criteria: ACMG Guidelines, 2015. Collection method: clinical testing. Allele origin: germline.

Ambry Genetics
Classification: Uncertain significance for Familial thoracic aortic aneurysm and aortic dissection. Last evaluated: 2023-10-10. Review status: criteria provided, single submitter. Criteria: Ambry Variant Classification Scheme 2023. Collection method: clinical testing. Allele origin: germline.
Comment: The p.G1724A variant (also known as c.5171G>C), located in coding exon 65 of the COL5A1 gene, results from a G to C substitution at nucleotide position 5171. The glycine at codon 1724 is replaced by alanine, an amino acid with similar properties. This amino acid position is highly conserved in available vertebrate species. In addition, the in silico prediction for this alteration is inconclusive. Since supporting evidence is limited at this time, the clinical significance of this alteration remains unclear.